The following is an entry in ClinVar:

NM_001673.5(ASNS):c.235_243delinsCTAC (p.Tyr79fs)

Genes: ASNS (asparagine synthetase (glutamine-hydrolyzing); minus strand), CZ1P-ASNS (CZ1P-ASNS readthrough; minus strand). Cytogenetic location: 7q21.3.
Variant type: Indel.
Coding change: c.235_243delinsCTAC on transcript NM_001673.5 (MANE Select); coding-DNA positions 235 to 243, TACAACCAT replaced by CTAC.
Protein change: p.Tyr79fs; shifts the reading frame from tyrosine 79.
Molecular consequence: frameshift variant. On other transcripts: non-coding transcript variant (1), intron variant (2).
Genome position (GRCh38, 1-based): chr7:97,868,914-97,868,922, ATGGTTGTA replaced by GTAG on the plus strand (TACAACCAT replaced by CTAC on the coding strand, the reverse complement: ASNS is on the minus strand). VCF-style: chr7-97868914-ATGGTTGTA-GTAG. GRCh37 (hg19) VCF-style: chr7-97498226-ATGGTTGTA-GTAG.
Other names: c.172_180delinsCTAC, p.Tyr58fs (NM_001178075.2); c.235_243delinsCTAC, p.Tyr79fs (NM_001352496.2, NM_133436.3, NM_183356.4); c.-1+3429_-1+3437delinsCTAC (NM_001178076.2); c.-1+3119_-1+3127delinsCTAC (NM_001178077.1); short protein forms Y58fs, Y79fs.
Identifiers: ClinVar variation 4816505 (VCV004816505.1).

ClinVar aggregate classification (germline): Likely pathogenic (1 of 4 stars; one submission).

Conditions:
Congenital microcephaly - severe encephalopathy - progressive cerebral atrophy syndrome. Also called: ASNS DEFICIENCY; Asparagine synthetase deficiency. Identifiers: Orphanet 391376, MedGen C3809971, MONDO:0014258, OMIM 615574.

Submission:

Natera, Inc.
Classification: Likely pathogenic for Asparagine synthetase deficiency. Last evaluated: 2024-12-03. Review status: criteria provided, single submitter. Criteria: Natera Variant Classification Schema (03/2026). Collection method: clinical testing. Allele origin: germline.
Comment: The c.235_243delinsCTAC variant in ASNS is a frameshift variant predicted to shift the reading frame beginning at codon 79 and leads to a stop codon 9 codons downstream. This variant is expected to result in nonsense mediated decay, truncation, or a dysfunctional protein product. This variant is rare in the general population with a frequency below the threshold expected for the associated phenotype(s). Given the available evidence, this variant is classified as Likely Pathogenic.